The following is an entry in ClinVar:

ClinVar aggregate classification (germline): Pathogenic. Review status: criteria provided, single submitter (1 of 4 stars). 2 submissions from 2 submitters: Pathogenic (1). 1 of the submissions does not count toward it. Last evaluated 2017-12-22.

Conditions:
Maple syrup urine disease type 1A (MSUD1A). Also called: MSUD type 1A. Identifiers: MedGen C1855369, MONDO:0023691, OMIM 248600.

Allele frequency attached by ClinVar (database versions not stated): ExAC 0.00001.

Submissions (2):

GeneDx
Classification: Pathogenic. Last evaluated: 2017-12-22. Review status: criteria provided, single submitter. Criteria: GeneDx Variant Classification (06012015). Collection method: clinical testing. Allele origin: germline. Affected: yes.
Comment: The c.840+1 G>T splice site variant in the BCKDHB gene destroys the canonical splice donor site in intron 7. It is predicted to cause abnormal gene splicing, either leading to an abnormal message that is subject to nonsense-mediated mRNA decay, or to an abnormal protein product if the message is used for protein translation. Although this variant has not been previously reported to our knowledge, it is expected to be a pathogenic variant.

Counsyl
Classification: Likely pathogenic for Maple syrup urine disease type 1A. Last evaluated: 2015-12-30. Review status: no assertion criteria provided. Collection method: clinical testing. Allele origin: unknown. Not counted in ClinVar's aggregate classification.

NM_183050.4(BCKDHB):c.840+1G>T

Gene: BCKDHB (branched chain keto acid dehydrogenase E1 subunit beta; plus strand). Cytogenetic location: 6q14.1.
Variant type: single nucleotide variant.
Coding change: c.840+1G>T on transcript NM_183050.4 (MANE Select); the canonical splice donor site of the intron after coding-DNA position 840, G replaced by T.
Molecular consequence: splice donor variant.
Genome position (GRCh38, 1-based): chr6:80,201,032, G>T. VCF-style: chr6-80201032-G-T. GRCh37 (hg19) VCF-style: chr6-80910749-G-T.
Other names: c.630+1G>T (NM_001318975.1); c.840+1G>T (NM_000056.5).
Identifiers: ClinVar variation 370274 (VCV000370274.4), dbSNP rs760538465, ClinGen allele CA3902769.
Genomic context (GRCh38, chr6:80,201,032, plus strand): 5'-TCCCAGGCCGAAGTCATACAGGAAGGGAGTGATGTTACTCTAGTTGCCTGGGGCACTCAG[G>T]TGAGTAGCATTGATCCCAACTGTTAAAACCTACGTTGTGCTTGGAAGCTCTCATTTTAAA-3'